The following is an entry in ClinVar:

NM_198576.4(AGRN):c.4367G>A (p.Arg1456His)

Gene: AGRN (agrin; plus strand). Cytogenetic location: 1p36.33.
Variant type: single nucleotide variant.
Coding change: c.4367G>A on transcript NM_198576.4 (MANE Select); coding-DNA position 4367, G replaced by A.
Protein change: p.Arg1456His; replaces arginine 1456 with histidine.
Molecular consequence: missense variant.
Genome position (GRCh38, 1-based): chr1:1,049,304, G>A. VCF-style: chr1-1049304-G-A. GRCh37 (hg19) VCF-style: chr1-984684-G-A.
Other names: c.4367G>A, p.Arg1456His (NM_001305275.2); c.4052G>A, p.Arg1351His (NM_001364727.2); short protein forms R1456H, R1351H.
Identifiers: ClinVar variation 852090 (VCV000852090.8), dbSNP rs372604628, ClinGen allele CA509441.

ClinVar aggregate classification (germline): Uncertain significance. Review status: criteria provided, multiple submitters, no conflicts (2 of 4 stars). 2 submissions from 2 submitters: Uncertain significance (2). Last evaluated 2024-11-09.

Conditions:
Congenital myasthenic syndrome 8. Also called: MYASTHENIC SYNDROME, CONGENITAL, DUE TO AGRIN DEFICIENCY; Myasthenic syndrome, congenital, 8, with pre- and postsynaptic defects. Identifiers: Orphanet 590, MedGen C3808739, MONDO:0014052, OMIM 615120.
Inborn genetic diseases. Identifiers: MedGen C0950123, MeSH D030342.

Allele frequency attached by ClinVar (database versions not stated): gnomAD 0.00003 and 0.00004; ExAC 0.00004; TOPMed 0.00005; ESP Exome Variant Server 0.00015.
gnomAD v4.1: 33 of 1,597,168 alleles (0.0021%); highest among the groups gnomAD compares: Middle Eastern, 0.016%; no homozygotes.

Submissions (2):

Ambry Genetics
Classification: Uncertain significance for Inborn genetic diseases. Last evaluated: 2024-11-09. Review status: criteria provided, single submitter. Criteria: Ambry Variant Classification Scheme 2023. Collection method: clinical testing. Allele origin: germline.

Labcorp Genetics (formerly Invitae), Labcorp
Classification: Uncertain significance for Congenital myasthenic syndrome 8. Last evaluated: 2021-09-01. Review status: criteria provided, single submitter. Criteria: Invitae Variant Classification Sherloc (09022015). Collection method: clinical testing. Allele origin: germline.
Comment: This sequence change replaces arginine with histidine at codon 1456 of the AGRN protein (p.Arg1456His). The arginine residue is moderately conserved and there is a small physicochemical difference between arginine and histidine. This variant is present in population databases (rs372604628, ExAC 0.01%). This variant has not been reported in the literature in individuals affected with AGRN-related conditions. Algorithms developed to predict the effect of missense changes on protein structure and function output the following: SIFT: "Deleterious"; PolyPhen-2: "Benign"; Align-GVGD: "Class C0". The histidine amino acid residue is found in multiple mammalian species, which suggests that this missense change does not adversely affect protein function. In summary, the available evidence is currently insufficient to determine the role of this variant in disease. Therefore, it has been classified as a Variant of Uncertain Significance.